The following is an entry in ClinVar:

ClinVar aggregate classification (germline): Likely benign. Review status: criteria provided, single submitter (1 of 4 stars). 2 submissions from 2 submitters: Likely benign (1). 1 of the submissions does not count toward it. Last evaluated 2025-06-10.

Conditions:
RXYLT1-related disorder. Also called: RXYLT1-related condition.

Allele frequency attached by ClinVar (database versions not stated): gnomAD 0.00006 and 0.00011; gnomAD exomes 0.00025 and 0.00010; ExAC 0.00013; TOPMed 0.00004.
gnomAD v4.1: 372 of 1,610,662 alleles (0.023%); highest among the groups gnomAD compares: East Asian, 0.83%; 2 homozygotes.

Submissions (2):

Labcorp Genetics (formerly Invitae), Labcorp
Classification: Likely benign. Last evaluated: 2025-06-10. Review status: criteria provided, single submitter. Criteria: Invitae Variant Classification Sherloc (09022015). Collection method: clinical testing. Allele origin: germline.

PreventionGenetics, part of Exact Sciences
Classification: Likely benign for RXYLT1-related condition. Last evaluated: 2022-01-09. Review status: no assertion criteria provided. Collection method: clinical testing. Allele origin: germline. Not counted in ClinVar's aggregate classification.
Comment: This variant is classified as likely benign based on ACMG/AMP sequence variant interpretation guidelines (Richards et al. 2015 PMID: 25741868, with internal and published modifications).

NM_014254.3(RXYLT1):c.15G>A (p.Arg5=)

Gene: RXYLT1 (ribitol xylosyltransferase 1; plus strand). Cytogenetic location: 12q14.2.
Variant type: single nucleotide variant.
Coding change: c.15G>A on transcript NM_014254.3 (MANE Select); coding-DNA position 15, G replaced by A.
Protein change: p.Arg5=; no amino-acid change (arginine 5 retained).
Molecular consequence: synonymous variant.
Genome position (GRCh38, 1-based): chr12:63,779,975, G>A. VCF-style: chr12-63779975-G-A. GRCh37 (hg19) VCF-style: chr12-64173755-G-A.
Identifiers: ClinVar variation 707333 (VCV000707333.12), dbSNP rs747769300, ClinGen allele CA6665967.